The following is an entry in ClinVar:

NM_000135.4(FANCA):c.1026G>A (p.Met342Ile)

Gene: FANCA (FA complementation group A; minus strand). Cytogenetic location: 16q24.3.
Variant type: single nucleotide variant.
Coding change: c.1026G>A on transcript NM_000135.4 (MANE Select); coding-DNA position 1026, G replaced by A.
Protein change: p.Met342Ile; replaces methionine 342 with isoleucine.
Molecular consequence: missense variant.
Genome position (GRCh38, 1-based): chr16:89,792,528, C>T on the plus strand (G>A on the coding strand, the complement: FANCA is on the minus strand). VCF-style: chr16-89792528-C-T. GRCh37 (hg19) VCF-style: chr16-89858936-C-T.
Other names: c.1026G>A, p.Met342Ile (NM_001286167.3); short protein forms M342I.
Identifiers: ClinVar variation 4067935 (VCV004067935.2).

ClinVar aggregate classification (germline): Uncertain significance. Review status: criteria provided, single submitter (1 of 4 stars). 2 submissions from 2 submitters: Uncertain significance (1). 1 of the submissions does not count toward it. Last evaluated 2026-06-14.

Conditions:
Fanconi anemia (FA). Also called: Fanconi's anemia. Identifiers: Orphanet 84, MedGen C0015625, MeSH D005199, MONDO:0019391.
Inborn genetic diseases. Identifiers: MedGen C0950123, MeSH D030342.

gnomAD v4.1: 1 of 1,613,240 alleles (0.000062%); highest among the groups gnomAD compares: Non-Finnish European, 0.000085%; no homozygotes.

Submissions (2):

Ambry Genetics
Classification: Uncertain significance for Inborn genetic diseases. Last evaluated: 2026-06-14. Review status: criteria provided, single submitter. Criteria: Ambry Variant Classification Scheme 2023. Collection method: clinical testing. Allele origin: germline.
Comment: The p.M342I variant (also known as c.1026G>A), located in coding exon 12 of the FANCA gene, results from a G to A substitution at nucleotide position 1026. The methionine at codon 342 is replaced by isoleucine, an amino acid with highly similar properties. This amino acid position is conserved. In addition, the in silico prediction for this alteration is inconclusive. Based on the available evidence, the clinical significance of this variant remains unclear.

Natera, Inc.
Classification: Uncertain significance for Fanconi anemia. Last evaluated: 2025-05-12. Review status: no assertion criteria provided. Collection method: clinical testing. Allele origin: germline. Not counted in ClinVar's aggregate classification.